The following is an entry in ClinVar:

ClinVar aggregate classification (germline): Uncertain significance (1 of 4 stars; one submission).

Conditions:
Epileptic encephalopathy. Identifiers: MedGen C0543888, HP:0200134.

Submission:

Labcorp Genetics (formerly Invitae), Labcorp
Classification: Uncertain significance for Epileptic encephalopathy. Last evaluated: 2022-09-01. Review status: criteria provided, single submitter. Criteria: Invitae Variant Classification Sherloc (09022015). Collection method: clinical testing. Allele origin: germline.
Comment: This variant has not been reported in the literature in individuals affected with RYR3-related conditions. ClinVar contains an entry for this variant (Variation ID: 1349846). Algorithms developed to predict the effect of missense changes on protein structure and function are either unavailable or do not agree on the potential impact of this missense change (SIFT: "Deleterious"; PolyPhen-2: "Probably Damaging"; Align-GVGD: "Class C0"). In summary, the available evidence is currently insufficient to determine the role of this variant in disease. Therefore, it has been classified as a Variant of Uncertain Significance. This sequence change replaces serine, which is neutral and polar, with proline, which is neutral and non-polar, at codon 3803 of the RYR3 protein (p.Ser3803Pro). This variant is not present in population databases (gnomAD no frequency).

NM_001036.6(RYR3):c.11407T>C (p.Ser3803Pro)

Gene: RYR3 (ryanodine receptor 3; plus strand). Cytogenetic location: 15q14.
Variant type: single nucleotide variant.
Coding change: c.11407T>C on transcript NM_001036.6 (MANE Select); coding-DNA position 11407, T replaced by C.
Protein change: p.Ser3803Pro; replaces serine 3803 with proline.
Molecular consequence: missense variant.
Genome position (GRCh38, 1-based): chr15:33,831,035, T>C. VCF-style: chr15-33831035-T-C. GRCh37 (hg19) VCF-style: chr15-34123236-T-C.
Other names: c.11392T>C, p.Ser3798Pro (NM_001243996.4); short protein forms S3798P, S3803P.
Identifiers: ClinVar variation 1349846 (VCV001349846.8), dbSNP rs2152971018, ClinGen allele CA391589824.